The following is an entry in ClinVar:

NM_006206.6(PDGFRA):c.1382C>T (p.Ser461Phe)

Gene: PDGFRA (platelet derived growth factor receptor alpha; plus strand). Cytogenetic location: 4q12.
Variant type: single nucleotide variant.
Coding change: c.1382C>T on transcript NM_006206.6 (MANE Select); coding-DNA position 1382, C replaced by T.
Protein change: p.Ser461Phe; replaces serine 461 with phenylalanine.
Molecular consequence: missense variant.
Genome position (GRCh38, 1-based): chr4:54,273,554, C>T. VCF-style: chr4-54273554-C-T. GRCh37 (hg19) VCF-style: chr4-55139721-C-T.
Other names: c.1382C>T, p.Ser461Phe (NM_001347827.2, NM_001347829.2); c.1457C>T, p.Ser486Phe (NM_001347828.2); c.1421C>T, p.Ser474Phe (NM_001347830.2); short protein forms S474F, S461F, S486F.
Identifiers: ClinVar variation 1976565 (VCV001976565.5), dbSNP rs2110291380, ClinGen allele CA356892453.

ClinVar aggregate classification (germline): Uncertain significance (1 of 4 stars; one submission).

Conditions:
Gastrointestinal stromal tumor. Also called: Gastrointestinal stroma tumor; Gastrointestinal stromal tumor, somatic. Identifiers: Orphanet 44890, MedGen C0238198, MeSH D046152, MONDO:0011719, OMIM 606764, HP:0100723.

Submission:

Labcorp Genetics (formerly Invitae), Labcorp
Classification: Uncertain significance for Gastrointestinal stromal tumor. Last evaluated: 2022-03-11. Review status: criteria provided, single submitter. Criteria: Invitae Variant Classification Sherloc (09022015). Collection method: clinical testing. Allele origin: germline.
Comment: This sequence change replaces serine, which is neutral and polar, with phenylalanine, which is neutral and non-polar, at codon 461 of the PDGFRA protein (p.Ser461Phe). This variant is not present in population databases (gnomAD no frequency). This variant has not been reported in the literature in individuals affected with PDGFRA-related conditions. Algorithms developed to predict the effect of missense changes on protein structure and function (SIFT, PolyPhen-2, Align-GVGD) all suggest that this variant is likely to be tolerated. In summary, the available evidence is currently insufficient to determine the role of this variant in disease. Therefore, it has been classified as a Variant of Uncertain Significance.